The following is an entry in ClinVar:

ClinVar aggregate classification (germline): Uncertain significance. Review status: criteria provided, multiple submitters, no conflicts (2 of 4 stars). 5 submissions from 5 submitters: Uncertain significance (5). Last evaluated 2023-07-03.

Conditions:
Ataxia-telangiectasia-like disorder (ATLD). Identifiers: MedGen C1858391, MONDO:0011457.
Hereditary cancer-predisposing syndrome. Also called: Neoplastic Syndromes, Hereditary; Tumor predisposition; Hereditary Cancer Syndrome; Hereditary neoplastic syndrome. Identifiers: Orphanet 140162, MedGen C0027672, MeSH D009386, MONDO:0015356.
Ataxia-telangiectasia-like disorder 1 (ATLD1). Identifiers: Orphanet 251347, MedGen C4012790, MONDO:0024557, OMIM 604391.

Allele frequency attached by ClinVar (database versions not stated): gnomAD exomes 0.00001 and 0.00003; ExAC 0.00002; gnomAD 0.00005; TOPMed 0.00007; ESP Exome Variant Server 0.00015.
gnomAD v4.1: 52 of 1,610,774 alleles (0.0032%); highest among the groups gnomAD compares: Non-Finnish European, 0.0042%; no homozygotes.

Submissions (5):

Ambry Genetics
Classification: Uncertain significance for Hereditary cancer-predisposing syndrome. Last evaluated: 2023-07-03. Review status: criteria provided, single submitter. Criteria: Ambry Variant Classification Scheme 2023. Collection method: clinical testing. Allele origin: germline.
Comment: The p.M618V variant (also known as c.1852A>G), located in coding exon 15 of the MRE11A gene, results from an A to G substitution at nucleotide position 1852. The methionine at codon 618 is replaced by valine, an amino acid with highly similar properties. In one study, this variant was reported in 1/1313 early-onset breast cancer cases and 0/1123 population controls (Damiola F et al. Breast Cancer Res. 2014 Jun;16(3):R58). This amino acid position is highly conserved in available vertebrate species. In addition, the in silico prediction for this alteration is inconclusive. Since supporting evidence is limited at this time, the clinical significance of this alteration remains unclear.

Labcorp Genetics (formerly Invitae), Labcorp
Classification: Uncertain significance for Ataxia-telangiectasia-like disorder. Last evaluated: 2022-08-16. Review status: criteria provided, single submitter. Criteria: Invitae Variant Classification Sherloc (09022015). Collection method: clinical testing. Allele origin: germline.
Comment: This sequence change replaces methionine, which is neutral and non-polar, with valine, which is neutral and non-polar, at codon 618 of the MRE11 protein (p.Met618Val). This variant is present in population databases (rs375630981, gnomAD 0.004%). This missense change has been observed in individual(s) with breast cancer (PMID: 24894818). ClinVar contains an entry for this variant (Variation ID: 142333). Algorithms developed to predict the effect of missense changes on protein structure and function (SIFT, PolyPhen-2, Align-GVGD) all suggest that this variant is likely to be tolerated. In summary, the available evidence is currently insufficient to determine the role of this variant in disease. Therefore, it has been classified as a Variant of Uncertain Significance.

Fulgent Genetics
Classification: Uncertain significance for Ataxia-telangiectasia-like disorder 1. Last evaluated: 2021-07-06. Review status: criteria provided, single submitter. Criteria: ACMG Guidelines, 2015. Collection method: clinical testing. Allele origin: unknown.

ARUP Laboratories, Molecular Genetics and Genomics, ARUP Laboratories
Classification: Uncertain significance. Last evaluated: 2017-02-10. Review status: criteria provided, single submitter. Criteria: ARUP Molecular Germline Variant Investigation Process. Collection method: clinical testing. Allele origin: germline.

Quest Diagnostics Nichols Institute San Juan Capistrano
Classification: Uncertain significance. Last evaluated: 2016-04-11. Review status: criteria provided, single submitter. Criteria: Quest Diagnostics criteria. Collection method: clinical testing. Allele origin: unknown.
Comment: The frequency of this variant in the general population, 0.000023 (3/128832 chromosomes), is uninformative in assessment of its pathogenicity. In the published literature, the variant has been reported in an individual with breast cancer (PMID: 24894818 (2014)). In a large-scale breast cancer association study, the variant was observed in individuals with breast cancer as well as in unaffected individuals (PMID: 33471991 (2021), see also LOVD). Analysis of this variant using bioinformatics tools for the prediction of the effect of amino acid changes on protein structure and function yielded predictions that this variant is benign. Based on the available information, we are unable to determine the clinical significance of this variant.

Literature cited by the submitters: PubMed 24894818 (cited by 3 submitters); PubMed 33471991 (cited by Quest Diagnostics Nichols Institute San Juan Capistrano).

NM_005591.4(MRE11):c.1852A>G (p.Met618Val)

Gene: MRE11 (MRE11 double strand break repair nuclease; minus strand). Cytogenetic location: 11q21.
Variant type: single nucleotide variant.
Coding change: c.1852A>G on transcript NM_005591.4 (MANE Select); coding-DNA position 1852, A replaced by G.
Protein change: p.Met618Val; replaces methionine 618 with valine.
Molecular consequence: missense variant. On other transcripts: intron variant (1).
Genome position (GRCh38, 1-based): chr11:94,445,825, T>C on the plus strand (A>G on the coding strand, the complement: MRE11 is on the minus strand). VCF-style: chr11-94445825-T-C. GRCh37 (hg19) VCF-style: chr11-94178991-T-C.
Other names: c.1849A>G, p.Met617Val (NM_001330347.2); c.1783+1394A>G (NM_005590.4); short protein forms M618V, M617V.
Identifiers: ClinVar variation 142333 (VCV000142333.19), dbSNP rs375630981, ClinGen allele CA168105.
Genomic context (GRCh38, chr11:94,445,825, plus strand): 5'-TCTAATGTTGGAATTTATAAATAATCACTTGCAGTCTATACTCACCATCTATAATAGACA[T>C]ATTTCTAGATGCTGACACAGCAGTCTTTGAGTTCCTGCTACGGGTAGAAGTCTCCAGACC-3'
Protein context (NP_005582.1, residues 608-628): SKTAVSASRN[Met618Val]SIIDAFKSTR